The following is an entry in ClinVar:

ClinVar aggregate classification (germline): Uncertain significance (1 of 4 stars; one submission).

Submission:

GeneDx
Classification: Uncertain significance. Last evaluated: 2025-06-18. Review status: criteria provided, single submitter. Criteria: GeneDx Variant Classification Process June 2021. Collection method: clinical testing. Allele origin: germline. Affected: yes.
Comment: Not observed at significant frequency in large population cohorts (gnomAD); In silico analysis supports that this missense variant has a deleterious effect on protein structure/function; Has not been previously published as pathogenic or benign to our knowledge

NM_000944.5(PPP3CA):c.465T>G (p.His155Gln)

Gene: PPP3CA (protein phosphatase 3 catalytic subunit alpha; minus strand). Cytogenetic location: 4q24.
Variant type: single nucleotide variant.
Coding change: c.465T>G on transcript NM_000944.5 (MANE Select); coding-DNA position 465, T replaced by G.
Protein change: p.His155Gln; replaces histidine 155 with glutamine.
Molecular consequence: missense variant.
Genome position (GRCh38, 1-based): chr4:101,099,642, A>C on the plus strand (T>G on the coding strand, the complement: PPP3CA is on the minus strand). VCF-style: chr4-101099642-A-C. GRCh37 (hg19) VCF-style: chr4-102020799-A-C.
Other names: c.465T>G, p.His155Gln (NM_001130691.2, NM_001130692.2); short protein forms H155Q.
Identifiers: ClinVar variation 4538933 (VCV004538933.1).